The following is an entry in ClinVar:

ClinVar aggregate classification (germline): Uncertain significance (1 of 4 stars; one submission).

Conditions:
HTR2C-related disorder. Also called: HTR2C-related condition.

Submission:

PreventionGenetics, part of Exact Sciences
Classification: Uncertain significance for HTR2C-related condition. Last evaluated: 2025-04-24. Review status: criteria provided, single submitter. Criteria: ACMG Guidelines, 2015. Collection method: clinical testing. Allele origin: germline.
Comment: The HTR2C c.1032G>T variant is predicted to result in the amino acid substitution p.Lys344Asn. To our knowledge, this variant has not been reported in the literature or in a large population database (gnomAD), indicating this variant is rare. At this time, the clinical significance of this variant is uncertain due to the absence of conclusive functional and genetic evidence.

NM_000868.4(HTR2C):c.1032G>T (p.Lys344Asn)

Genes: HTR2C (5-hydroxytryptamine receptor 2C; plus strand), LOC126863306 (MED14-independent group 3 enhancer GRCh37_chrX:114140926-114142125; plus strand). Cytogenetic location: Xq23.
Variant type: single nucleotide variant.
Coding change: c.1032G>T on transcript NM_000868.4 (MANE Select); coding-DNA position 1032, G replaced by T.
Protein change: p.Lys344Asn; replaces lysine 344 with asparagine.
Molecular consequence: missense variant. On other transcripts: 3 prime UTR variant (1).
Genome position (GRCh38, 1-based): chrX:114,907,070, G>T. VCF-style: chrX-114907070-G-T. GRCh37 (hg19) VCF-style: chrX-114141633-G-T.
Other names: c.1032G>T, p.Lys344Asn (NM_001256760.3); c.*190G>T (NM_001256761.3); short protein forms K344N.
Identifiers: ClinVar variation 4979897 (VCV004979897.1).
Genomic context (GRCh38, chrX:114,907,070, plus strand): 5'-GTGCCCATTTTTCATTACCAATATTCTGTCTGTTCTTTGTGAGAAGTCCTGTAACCAAAA[G>T]CTCATGGAAAAGCTTCTGAATGTGTTTGTTTGGATTGGCTATGTTTGTTCAGGAATCAAT-3'
Protein context (NP_000859.2, residues 334-354): SVLCEKSCNQ[Lys344Asn]LMEKLLNVFV